The following is an entry in ClinVar:

ClinVar aggregate classification (germline): Pathogenic. Review status: reviewed by expert panel (3 of 4 stars). 4 submissions from 4 submitters: Pathogenic (1). 3 of the submissions do not count toward it. Last evaluated 2017-12-15.

Conditions:
Breast-ovarian cancer, familial, susceptibility to, 2 (BROVCA2). Also called: BRCA2 Hereditary Breast and Ovarian Cancer. Identifiers: Orphanet 145, MedGen C2675520, MONDO:0012933, OMIM 612555. Disease mechanism: loss of function.
Hereditary breast ovarian cancer syndrome. Also called: BRCA1- and BRCA2-Associated Hereditary Breast and Ovarian Cancer; Hereditary breast and/or ovarian cancer syndrome; Hereditary breast and ovarian cancer; Hereditary breast and ovarian cancer syndrome; Hereditary breast and ovarian cancer syndrome (HBOC); Breast and ovarian cancer. Identifiers: Orphanet 145, MedGen C0677776, MeSH D061325, MONDO:0003582. Disease mechanism: loss of function.
Hereditary cancer-predisposing syndrome. Also called: Hereditary neoplastic syndrome; Tumor predisposition; Neoplastic Syndromes, Hereditary; Hereditary Cancer Syndrome. Identifiers: Orphanet 140162, MedGen C0027672, MeSH D009386, MONDO:0015356.

Submissions (4):

Evidence-based Network for the Interpretation of Germline Mutant Alleles (ENIGMA)
Classification: Pathogenic for Breast-ovarian cancer, familial, susceptibility to, 2. Last evaluated: 2017-12-15. Review status: reviewed by expert panel. Criteria: ENIGMA BRCA1/2 Classification Criteria (2017-06-29). Collection method: curation. Allele origin: germline. Study: ENIGMA.
Comment: Variant allele predicted to encode a truncated non-functional protein.

Ambry Genetics
Classification: Pathogenic for Hereditary cancer-predisposing syndrome. Last evaluated: 2024-01-29. Review status: criteria provided, single submitter. Criteria: Ambry Variant Classification Scheme 2023. Collection method: clinical testing. Allele origin: germline. Not counted in ClinVar's aggregate classification.
Comment: The p.Q2749* pathogenic mutation (also known as c.8245C>T), located in coding exon 17 of the BRCA2 gene, results from a C to T substitution at nucleotide position 8245. This changes the amino acid from a glutamine to a stop codon within coding exon 17. This variant was reported in individuals with personal and family history of breast and ovarian cancer (Li A et al. Gynecol Oncol, 2018 Oct;151:145-152), (Concolino P et al. Int J Mol Sci, 2019 Jul;20:). This variant is considered to be rare based on population cohorts in the Genome Aggregation Database (gnomAD). In addition to the clinical data presented in the literature, this alteration is expected to result in loss of function by premature protein truncation or nonsense-mediated mRNA decay. As such, this alteration is interpreted as a disease-causing mutation.

Labcorp Genetics (formerly Invitae), Labcorp
Classification: Pathogenic for Hereditary breast ovarian cancer syndrome. Last evaluated: 2021-10-02. Review status: criteria provided, single submitter. Criteria: Invitae Variant Classification Sherloc (09022015). Collection method: clinical testing. Allele origin: germline. Not counted in ClinVar's aggregate classification.
Comment: ClinVar contains an entry for this variant (Variation ID: 431343). This premature translational stop signal has been observed in individual(s) with breast cancer and/or ovarian cancer (PMID: 30078507, 31336956). This variant is not present in population databases (ExAC no frequency). This sequence change creates a premature translational stop signal (p.Gln2749*) in the BRCA2 gene. It is expected to result in an absent or disrupted protein product. Loss-of-function variants in BRCA2 are known to be pathogenic (PMID: 20104584). For these reasons, this variant has been classified as Pathogenic.

Research Molecular Genetics Laboratory, Women's College Hospital, University of Toronto
Classification: Pathogenic for Hereditary breast ovarian cancer syndrome. Last evaluated: 2014-01-31. Review status: no assertion criteria provided. Collection method: research. Allele origin: germline. Affected: yes. Study: The Canadian Open Genetics Repository (COGR). Not counted in ClinVar's aggregate classification.

Literature cited by the submitters: PubMed 30078507 (cited by Ambry Genetics and Labcorp Genetics (formerly Invitae), Labcorp); PubMed 31336956 (cited by Ambry Genetics and Labcorp Genetics (formerly Invitae), Labcorp); PubMed 20104584 (cited by Labcorp Genetics (formerly Invitae), Labcorp).

NM_000059.4(BRCA2):c.8245C>T (p.Gln2749Ter)

Gene: BRCA2 (BRCA2 DNA repair associated; plus strand). Cytogenetic location: 13q13.1.
Variant type: single nucleotide variant.
Coding change: c.8245C>T on transcript NM_000059.4 (MANE Select); coding-DNA position 8245, C replaced by T.
Protein change: p.Gln2749Ter; replaces glutamine 2749 with a stop codon.
Molecular consequence: nonsense.
Genome position (GRCh38, 1-based): chr13:32,363,447, C>T. VCF-style: chr13-32363447-C-T. GRCh37 (hg19) VCF-style: chr13-32937584-C-T.
Other names: short protein forms Q2749*.
Identifiers: ClinVar variation 431343 (VCV000431343.10), dbSNP rs1135401925, ClinGen allele CA387749914.
Genomic context (GRCh38, chr13:32,363,447, plus strand): 5'-AAGGCCCAGTTAGATCCTCCCCTCTTAGCTGTCTTAAAGAATGGCAGACTGACAGTTGGT[C>T]AGAAGATTATTCTTCATGGAGCAGAACTGGTGGGCTCTCCTGATGCCTGTACACCTCTTG-3'